The following is an entry in ClinVar:

NM_013275.6(ANKRD11):c.6197_6198delinsAA (p.Phe2066Ter)

Gene: ANKRD11 (ankyrin repeat domain 11; minus strand). Cytogenetic location: 16q24.3.
Variant type: Indel.
Coding change: c.6197_6198delinsAA on transcript NM_013275.6 (MANE Select); coding-DNA positions 6197 to 6198, TC replaced by AA.
Protein change: p.Phe2066Ter; replaces phenylalanine 2066 with a stop codon.
Molecular consequence: nonsense.
Genome position (GRCh38, 1-based): chr16:89,280,344-89,280,345, GA replaced by TT on the plus strand (TC replaced by AA on the coding strand, the reverse complement: ANKRD11 is on the minus strand). VCF-style: chr16-89280344-GA-TT. GRCh37 (hg19) VCF-style: chr16-89346752-GA-TT.
Other names: c.6197_6198delinsAA (NM_013275.5); c.6197_6198delinsAA, p.Phe2066Ter (NM_001256182.2, NM_001256183.2); short protein forms F2066*.
Identifiers: ClinVar variation 458786 (VCV000458786.6), dbSNP rs1555525977, ClinGen allele CA658658517.
Genomic context (GRCh38, chr16:89,280,344, plus strand): 5'-TACACAGGCGGGCTCGGGGGCCACGTCCAGCGGGGCTTCCGGAAGTGACTTGCAGTTGCT[GA>TT]AGAAGGACTCCAGCCCGGAGGGAGGGGCGTAGGGAGCCGCCTCTGAGGTGGAGATGGCGG-3'

ClinVar aggregate classification (germline): Pathogenic (1 of 4 stars; one submission).

Conditions:
KBG syndrome (KBGS). Also called: ANKRD11-Related KBG Syndrome. Identifiers: Orphanet 2332, MedGen C0220687, MONDO:0007846, OMIM 148050.

Submission:

Labcorp Genetics (formerly Invitae), Labcorp
Classification: Pathogenic for KBG syndrome. Last evaluated: 2019-12-02. Review status: criteria provided, single submitter. Criteria: Invitae Variant Classification Sherloc (09022015). Collection method: clinical testing. Allele origin: germline.
Comment: For these reasons, this variant has been classified as Pathogenic. Loss-of-function variants in ANKRD11 are known to be pathogenic (PMID: 21782149, 25125236, 25413698, 25652421). This variant has not been reported in the literature in individuals with ANKRD11-related conditions. This variant is not present in population databases (ExAC no frequency). This sequence change creates a premature translational stop signal (p.Phe2066*) in the ANKRD11 gene. It is expected to result in an absent or disrupted protein product.

Literature cited by the submitters: PubMed 21782149; PubMed 25125236; PubMed 25413698; PubMed 25652421.